The following is an entry in ClinVar:

ClinVar aggregate classification (germline): Uncertain significance (1 of 4 stars; one submission).

Submission:

Labcorp Genetics (formerly Invitae), Labcorp
Classification: Uncertain significance. Last evaluated: 2022-06-22. Review status: criteria provided, single submitter. Criteria: Invitae Variant Classification Sherloc (09022015). Collection method: clinical testing. Allele origin: germline.
Comment: This sequence change replaces proline, which is neutral and non-polar, with alanine, which is neutral and non-polar, at codon 214 of the RP1L1 protein (p.Pro214Ala). In summary, the available evidence is currently insufficient to determine the role of this variant in disease. Therefore, it has been classified as a Variant of Uncertain Significance. Advanced modeling of protein sequence and biophysical properties (such as structural, functional, and spatial information, amino acid conservation, physicochemical variation, residue mobility, and thermodynamic stability) performed at Invitae indicates that this missense variant is not expected to disrupt RP1L1 protein function. This variant has not been reported in the literature in individuals affected with RP1L1-related conditions. This variant is not present in population databases (gnomAD no frequency).

NM_178857.6(RP1L1):c.640C>G (p.Pro214Ala)

Gene: RP1L1 (RP1 like 1). Cytogenetic location: 8p23.1.
Variant type: single nucleotide variant.
Coding change: c.640C>G on transcript NM_178857.6 (MANE Select); coding-DNA position 640, C replaced by G.
Protein change: p.Pro214Ala; replaces proline 214 with alanine.
Molecular consequence: missense variant.
Genome position (GRCh38, 1-based): chr8:10,616,557, G>C on the plus strand (C>G on the coding strand, the complement: RP1L1 is on the minus strand). VCF-style: chr8-10616557-G-C. GRCh37 (hg19) VCF-style: chr8-10474067-G-C.
Other names: short protein forms P214A.
Identifiers: ClinVar variation 2008952 (VCV002008952.4), dbSNP rs2486306204, ClinGen allele CA370299243.